The following is an entry in ClinVar:

ClinVar aggregate classification (germline): Likely benign (1 of 4 stars; one submission).

Submission:

CeGaT Center for Human Genetics Tuebingen
Classification: Likely benign. Last evaluated: 2026-02-01. Review status: criteria provided, single submitter. Criteria: CeGaT Center For Human Genetics Tuebingen Variant Classification Criteria Version 2. Collection method: clinical testing. Allele origin: germline. Affected: yes. Observed: 1 variant allele.
Comment: NPAP1: BP4, BS1

NM_018958.3(NPAP1):c.547G>A (p.Gly183Arg)

Gene: NPAP1 (nuclear pore associated protein 1; plus strand). Cytogenetic location: 15q11.2.
Variant type: single nucleotide variant.
Coding change: c.547G>A on transcript NM_018958.3 (MANE Select); coding-DNA position 547, G replaced by A.
Protein change: p.Gly183Arg; replaces glycine 183 with arginine.
Molecular consequence: missense variant.
Genome position (GRCh38, 1-based): chr15:24,676,414, G>A. VCF-style: chr15-24676414-G-A. GRCh37 (hg19) VCF-style: chr15-24921561-G-A.
Other names: short protein forms G183R.
Identifiers: ClinVar variation 4821387 (VCV004821387.4).